The following is an entry in ClinVar:

NM_172107.4(KCNQ2):c.1526-3C>A

Gene: KCNQ2 (potassium voltage-gated channel subfamily Q member 2; minus strand). Cytogenetic location: 20q13.33.
Variant type: single nucleotide variant.
Coding change: c.1526-3C>A on transcript NM_172107.4 (MANE Select); 3 bases into the intron before coding-DNA position 1526, C replaced by A.
Molecular consequence: intron variant.
Genome position (GRCh38, 1-based): chr20:63,414,196, G>T on the plus strand (C>A on the coding strand, the complement: KCNQ2 is on the minus strand). VCF-style: chr20-63414196-G-T. GRCh37 (hg19) VCF-style: chr20-62045549-G-T.
Other names: c.1442-3C>A (NM_004518.6); c.1436-6C>A (NM_172108.5); c.1472-3C>A (NM_172106.3, NM_001382235.1).
Identifiers: ClinVar variation 1002090 (VCV001002090.14), dbSNP rs568408012, ClinGen allele CA2374778343.

ClinVar aggregate classification (germline): Uncertain significance. Review status: criteria provided, multiple submitters, no conflicts (2 of 4 stars). 4 submissions from 4 submitters: Uncertain significance (4). Last evaluated 2025-04-24.

Conditions:
Early-infantile DEE. Also called: Early infantile epileptic encephalopathy with suppression bursts; Ohtahara syndrome; Early infantile epileptic encephalopathy. Identifiers: Orphanet 1934, MedGen C0393706, MONDO:0800491.
Developmental and epileptic encephalopathy, 7 (DEE7). Also called: KCNQ2-Related Neonatal-Onset Developmental and Epileptic Encephalopathy (NEO-DEE); KCNQ2-Related Neonatal Epileptic Encephalopathy; Early infantile epileptic encephalopathy 7. Identifiers: Orphanet 439218, MedGen C3150986, MONDO:0013387, OMIM 613720.

gnomAD v4.1: 1 of 1,610,642 alleles (0.000062%); highest among the groups gnomAD compares: Non-Finnish European, 0.000085%; no homozygotes.

Submissions (4):

Ozbek Human Genetics Laboratory, Izmir Biomedicine and Genome Center
Classification: Uncertain significance for Developmental and epileptic encephalopathy, 7. Last evaluated: 2025-04-24. Review status: criteria provided, single submitter. Criteria: ACMG Guidelines, 2015. Collection method: research. Allele origin: unknown. Affected: yes. Observed: 1 variant allele, 1 homozygote.
Comment: A homozygous (NM_172107.4): c.1526-3C>A synonymous splice region variant was detected in exon 12 of the KCNQ2 gene. This variant is observed to be highly rare in population databases and has never been previously reported in a homozygous state (PM2). This variant is a splice region variant, and all computational prediction tools support that it has a damaging effect on the gene (PP3). Based on current information, it is classified as a Variant of Uncertain Significance (VUS) according to ACMG criteria. Data obtained via the RAREBOOST project (Horizon 2020 ERA Chairs at Izmir Biomedicine and Genome Center - IBG)

Labcorp Genetics (formerly Invitae), Labcorp
Classification: Uncertain significance for Early-infantile DEE. Last evaluated: 2025-01-06. Review status: criteria provided, single submitter. Criteria: Invitae Variant Classification Sherloc (09022015). Collection method: clinical testing. Allele origin: germline.
Comment: This sequence change falls in intron 13 of the KCNQ2 gene. It does not directly change the encoded amino acid sequence of the KCNQ2 protein. It affects a nucleotide within the consensus splice site. This variant is not present in population databases (gnomAD no frequency). This variant has been observed in individual(s) with clinical features of benign familial neonatal-infantile seizures (internal data). ClinVar contains an entry for this variant (Variation ID: 1002090). Variants that disrupt the consensus splice site are a relatively common cause of aberrant splicing (PMID: 17576681, 9536098). Algorithms developed to predict the effect of sequence changes on RNA splicing suggest that this variant may create or strengthen a splice site. In summary, the available evidence is currently insufficient to determine the role of this variant in disease. Therefore, it has been classified as a Variant of Uncertain Significance.

Blueprint Genetics
Classification: Uncertain significance. Last evaluated: 2024-04-24. Review status: criteria provided, single submitter. Criteria: ACMG Guidelines, 2015. Collection method: clinical testing. Allele origin: germline.

GeneDx
Classification: Uncertain significance. Last evaluated: 2021-01-18. Review status: criteria provided, single submitter. Criteria: GeneDx Variant Classification Process June 2021. Collection method: clinical testing. Allele origin: germline. Affected: yes.
Comment: Not observed in large population cohorts (Lek et al., 2016); Has not been previously published as pathogenic or benign to our knowledge; In-silico analysis, which includes splice predictors and evolutionary conservation, is inconclusive as to whether the variant alters gene splicing. In the absence of RNA/functional studies, the actual effect of this sequence change is unknown.

Literature cited by the submitters: PubMed 17576681 (cited by Labcorp Genetics (formerly Invitae), Labcorp); PubMed 9536098 (cited by Labcorp Genetics (formerly Invitae), Labcorp).